The following is an entry in ClinVar:

ClinVar aggregate classification (germline): Uncertain significance. Review status: criteria provided, multiple submitters, no conflicts (2 of 4 stars). 2 submissions from 2 submitters: Uncertain significance (2). Last evaluated 2025-02-12.

Conditions:
Inborn genetic diseases. Identifiers: MedGen C0950123, MeSH D030342.

Allele frequency attached by ClinVar (database versions not stated): gnomAD exomes 0.00001; TOPMed 0.00001.
gnomAD v4.1: 12 of 1,183,393 alleles (0.001%); highest among the groups gnomAD compares: Non-Finnish European, 0.0014%; no homozygotes.

Submissions (2):

Ambry Genetics
Classification: Uncertain significance for Inborn genetic diseases. Last evaluated: 2025-02-12. Review status: criteria provided, single submitter. Criteria: Ambry Variant Classification Scheme 2023. Collection method: clinical testing. Allele origin: germline.

CeGaT Center for Human Genetics Tuebingen
Classification: Uncertain significance. Last evaluated: 2023-02-01. Review status: criteria provided, single submitter. Criteria: CeGaT Center For Human Genetics Tuebingen Variant Classification Criteria Version 2. Collection method: clinical testing. Allele origin: germline. Affected: yes. Observed: 1 variant allele.
Comment: PHKA2: PM2, PP3

NM_000292.3(PHKA2):c.901T>C (p.Tyr301His)

Gene: PHKA2 (phosphorylase kinase regulatory subunit alpha 2; minus strand). Cytogenetic location: Xp22.13.
Variant type: single nucleotide variant.
Coding change: c.901T>C on transcript NM_000292.3 (MANE Select); coding-DNA position 901, T replaced by C.
Protein change: p.Tyr301His; replaces tyrosine 301 with histidine.
Molecular consequence: missense variant.
Genome position (GRCh38, 1-based): chrX:18,940,012, A>G on the plus strand (T>C on the coding strand, the complement: PHKA2 is on the minus strand). VCF-style: chrX-18940012-A-G. GRCh37 (hg19) VCF-style: chrX-18958130-A-G.
Other names: c.901T>C (NM_000292.2); short protein forms Y301H.
Identifiers: ClinVar variation 2499122 (VCV002499122.29), dbSNP rs1039912602, ClinGen allele CA327058817.
Genomic context (GRCh38, chrX:18,940,012, plus strand): 5'-TGAAACAGTTGAGGAAAGATAAGAAACAATATTTAAATACAACCTCTCTTGGAGTTTTAT[A>G]ACCATCTCGAAGGAAGCGACAGCATCCATAACGCCCCTAATAAGAGAAAGTACATTCGAT-3'
Protein context (NP_000283.1, residues 291-311): YGCCRFLRDG[Tyr301His]KTPREDPNRL